The following is an entry in ClinVar:

NM_000257.4(MYH7):c.2471T>C (p.Val824Ala)

Genes: MYH7 (myosin heavy chain 7; minus strand), LOC126861898 (BRD4-independent group 4 enhancer GRCh37_chr14:23893609-23894808; plus strand). Cytogenetic location: 14q11.2.
Variant type: single nucleotide variant.
Coding change: c.2471T>C on transcript NM_000257.4 (MANE Select); coding-DNA position 2471, T replaced by C.
Protein change: p.Val824Ala; replaces valine 824 with alanine.
Molecular consequence: missense variant.
Genome position (GRCh38, 1-based): chr14:23,424,977, A>G on the plus strand (T>C on the coding strand, the complement: MYH7 is on the minus strand). VCF-style: chr14-23424977-A-G. GRCh37 (hg19) VCF-style: chr14-23894186-A-G.
Other names: short protein forms V824A.
Identifiers: ClinVar variation 164330 (VCV000164330.16), dbSNP rs727503255, ClinGen allele CA012405.

ClinVar aggregate classification (germline): Uncertain significance. Review status: criteria provided, multiple submitters, no conflicts (2 of 4 stars). 3 submissions from 3 submitters: Uncertain significance (2). 1 of the submissions does not count toward it. Last evaluated 2021-11-09.

Conditions:
Cardiovascular phenotype. Identifiers: MedGen CN230736.
Hypertrophic cardiomyopathy. Also called: HYPERTROPHIC MYOCARDIOPATHY. Identifiers: Orphanet 217569, MedGen C0007194, MeSH D002312, MONDO:0005045, HP:0001639.

Submissions (3):

Ambry Genetics
Classification: Uncertain significance for Cardiovascular phenotype. Last evaluated: 2021-11-09. Review status: criteria provided, single submitter. Criteria: Ambry Variant Classification Scheme 2023. Collection method: clinical testing. Allele origin: germline.
Comment: The p.V824A variant (also known as c.2471T>C), located in coding exon 20 of the MYH7 gene, results from a T to C substitution at nucleotide position 2471. The valine at codon 824 is replaced by alanine, an amino acid with similar properties. This alteration is located in the myosin head domain, which contains a statistically significant clustering of pathogenic missense variants (Homburger JR et al. Proc Natl Acad Sci U S A, 2016 06;113:6701-6; Walsh R et al. Genet Med, 2017 02;19:192-203; Ambry internal data). This alteration has been reported in hypertrophic cardiomyopathy cohorts; however, clinical details were limited (Walsh R et al. Genet. Med., 2017 02;19:192-203; OMGL pers. comm.). This amino acid position is highly conserved in available vertebrate species. In addition, this alteration is predicted to be deleterious by in silico analysis. Since supporting evidence is limited at this time, the clinical significance of this alteration remains unclear.

Labcorp Genetics (formerly Invitae), Labcorp
Classification: Uncertain significance for Hypertrophic cardiomyopathy. Last evaluated: 2019-05-10. Review status: criteria provided, single submitter. Criteria: Invitae Variant Classification Sherloc (09022015). Collection method: clinical testing. Allele origin: germline.
Comment: This variant is not present in population databases (ExAC no frequency). This variant has been reported in several individuals affected with hypertrophic cardiomyopathy (PMID: 27532257). Algorithms developed to predict the effect of missense changes on protein structure and function (SIFT, PolyPhen-2, Align-GVGD) all suggest that this variant is likely to be disruptive, but these predictions have not been confirmed by published functional studies and their clinical significance is uncertain. A computational algorithm designed to assess the pathogenicity of variants in MYH7 with regard to hypertrophic cardiomyopathy predicted this sequence change to be deleterious. The algorithm has a sensitivity of 94% and a specificity of 89% (PMID: 21310275). This variant is found within a region of MYH7 between codons 181 and 937 that contains the majority of the myosin head domain. Missense variants in this region have been shown to be significantly overrepresented in individuals with hypertrophic cardiomyopathy (PMID: 27532257). In summary, the available evidence is currently insufficient to determine the role of this variant in disease. Therefore, it has been classified as a Variant of Uncertain Significance. This sequence change replaces valine with alanine at codon 824 of the MYH7 protein (p.Val824Ala). The valine residue is highly conserved and there is a small physicochemical difference between valine and alanine.

Laboratory for Molecular Medicine, Mass General Brigham Personalized Medicine
Classification: Likely pathogenic for Hypertrophic cardiomyopathy. Last evaluated: 2015-02-10. Review status: no assertion criteria provided. Collection method: clinical testing. Allele origin: germline. Observed: 1 variant allele. Not counted in ClinVar's aggregate classification.
Comment: proposed classification - variant undergoing re-assessment, contact laboratory

Literature cited by the submitters: PubMed 25611685 (cited by Ambry Genetics); PubMed 27532257 (cited by Ambry Genetics and Labcorp Genetics (formerly Invitae), Labcorp); PubMed 28301460 (cited by Ambry Genetics); PubMed 30297972 (cited by Ambry Genetics); PubMed 21310275 (cited by Labcorp Genetics (formerly Invitae), Labcorp); PubMed 12974739 (cited by Laboratory for Molecular Medicine, Mass General Brigham Personalized Medicine).